The following is an entry in ClinVar:

NM_001130009.3(GEN1):c.886T>C (p.Cys296Arg)

Gene: GEN1 (GEN1 Holliday junction 5' flap endonuclease; plus strand). Cytogenetic location: 2p24.2.
Variant type: single nucleotide variant.
Coding change: c.886T>C on transcript NM_001130009.3 (MANE Select); coding-DNA position 886, T replaced by C.
Protein change: p.Cys296Arg; replaces cysteine 296 with arginine.
Molecular consequence: missense variant.
Genome position (GRCh38, 1-based): chr2:17,772,717, T>C. VCF-style: chr2-17772717-T-C. GRCh37 (hg19) VCF-style: chr2-17953984-T-C.
Other names: c.886T>C, p.Cys296Arg (NM_182625.5); short protein forms C296R.
Identifiers: ClinVar variation 4029325 (VCV004029325.1).

ClinVar aggregate classification (germline): Uncertain significance (1 of 4 stars; one submission).

gnomAD v4.1: 1 of 1,611,960 alleles (0.000062%); highest among the groups gnomAD compares: Non-Finnish European, 0.000085%; no homozygotes.

Submission:

Ambry Genetics
Classification: Uncertain significance. Last evaluated: 2025-05-31. Review status: criteria provided, single submitter. Criteria: Ambry Variant Classification Scheme 2023. Collection method: clinical testing. Allele origin: germline.
Comment: The p.C296R variant (also known as c.886T>C), located in coding exon 7 of the GEN1 gene, results from a T to C substitution at nucleotide position 886. The cysteine at codon 296 is replaced by arginine, an amino acid with highly dissimilar properties. This amino acid position is conserved. In addition, this alteration is predicted to be deleterious by in silico analysis. Based on the available evidence, the clinical significance of this variant remains unclear.